The following is an entry in ClinVar:

ClinVar aggregate classification (germline): Uncertain significance. Review status: criteria provided, multiple submitters, no conflicts (2 of 4 stars). 2 submissions from 2 submitters: Uncertain significance (2). Last evaluated 2026-06-29.

Conditions:
PRKCB-related disorder. Also called: PRKCB-related condition.

Allele frequency attached by ClinVar (database versions not stated): gnomAD 0.00003; gnomAD exomes 0.00003; ExAC 0.00004; ESP Exome Variant Server 0.00008; 1000 Genomes Project 0.00020; 1000 Genomes Project 30x 0.00031.
gnomAD v4.1: 52 of 1,614,044 alleles (0.0032%); highest among the groups gnomAD compares: Middle Eastern, 0.033%; no homozygotes.

Submissions (2):

PreventionGenetics, part of Exact Sciences
Classification: Uncertain significance for PRKCB-related condition. Last evaluated: 2026-06-29. Review status: criteria provided, single submitter. Criteria: ACMG Guidelines, 2015. Collection method: clinical testing. Allele origin: germline.
Comment: The PRKCB c.950C>T variant is predicted to result in the amino acid substitution p.Pro317Leu. To our knowledge, this variant has not been reported in the literature. This variant is reported in 0.011% of alleles in individuals of Latino descent in gnomAD. At this time, the clinical significance of this variant is uncertain due to the absence of conclusive functional and genetic evidence.

Ambry Genetics
Classification: Uncertain significance. Last evaluated: 2025-11-12. Review status: criteria provided, single submitter. Criteria: Ambry Variant Classification Scheme 2023. Collection method: clinical testing. Allele origin: germline.

NM_002738.7(PRKCB):c.950C>T (p.Pro317Leu)

Gene: PRKCB (protein kinase C beta; plus strand). Cytogenetic location: 16p12.2.
Variant type: single nucleotide variant.
Coding change: c.950C>T on transcript NM_002738.7 (MANE Select); coding-DNA position 950, C replaced by T.
Protein change: p.Pro317Leu; replaces proline 317 with leucine.
Molecular consequence: missense variant.
Genome position (GRCh38, 1-based): chr16:24,123,866, C>T. VCF-style: chr16-24123866-C-T. GRCh37 (hg19) VCF-style: chr16-24135187-C-T.
Other names: c.950C>T, p.Pro317Leu (NM_212535.3); c.950C>T (NM_212535.2); short protein forms P317L.
Identifiers: ClinVar variation 2512544 (VCV002512544.4), dbSNP rs202044032, ClinGen allele CA7966357.